The following is an entry in ClinVar:

ClinVar aggregate classification (germline): Uncertain significance (1 of 4 stars; one submission).

Conditions:
Oculodentodigital dysplasia, autosomal recessive. Also called: OCULODENTOOSSEOUS DYSPLASIA, AUTOSOMAL RECESSIVE; ODDD, AUTOSOMAL RECESSIVE; ODOD, AUTOSOMAL RECESSIVE. Identifiers: Orphanet 2710, MedGen C2749477, MONDO:0009768, OMIM 257850.

gnomAD v4.1: 4 of 1,613,952 alleles (0.00025%); highest among the groups gnomAD compares: East Asian, 0.0022%; no homozygotes.

Submission:

Labcorp Genetics (formerly Invitae), Labcorp
Classification: Uncertain significance for Oculodentodigital dysplasia, autosomal recessive. Last evaluated: 2025-07-03. Review status: criteria provided, single submitter. Criteria: Invitae Variant Classification Sherloc (09022015). Collection method: clinical testing. Allele origin: germline.
Comment: This sequence change replaces serine, which is neutral and polar, with leucine, which is neutral and non-polar, at codon 279 of the GJA1 protein (p.Ser279Leu). This variant is not present in population databases (gnomAD no frequency). This variant has not been reported in the literature in individuals affected with GJA1-related conditions. Invitae Evidence Modeling of protein sequence and biophysical properties (such as structural, functional, and spatial information, amino acid conservation, physicochemical variation, residue mobility, and thermodynamic stability) has been performed for this missense variant. However, the output from this modeling did not meet the statistical confidence thresholds required to predict the impact of this variant on GJA1 protein function. In summary, the available evidence is currently insufficient to determine the role of this variant in disease. Therefore, it has been classified as a Variant of Uncertain Significance.

NM_000165.5(GJA1):c.836C>T (p.Ser279Leu)

Gene: GJA1 (gap junction protein alpha 1; plus strand). Cytogenetic location: 6q22.31.
Variant type: single nucleotide variant.
Coding change: c.836C>T on transcript NM_000165.5 (MANE Select); coding-DNA position 836, C replaced by T.
Protein change: p.Ser279Leu; replaces serine 279 with leucine.
Molecular consequence: missense variant.
Genome position (GRCh38, 1-based): chr6:121,447,683, C>T. VCF-style: chr6-121447683-C-T. GRCh37 (hg19) VCF-style: chr6-121768829-C-T.
Other names: short protein forms S279L.
Identifiers: ClinVar variation 4738742 (VCV004738742.1).